The following is an entry in ClinVar:

NM_000051.4(ATM):c.6235_6237del (p.Val2079del)

Genes: ATM (ATM serine/threonine kinase; plus strand), C11orf65 (chromosome 11 open reading frame 65; minus strand). Cytogenetic location: 11q22.3.
Variant type: Deletion.
Coding change: c.6235_6237del on transcript NM_000051.4 (MANE Select); coding-DNA positions 6235 to 6237, 3 bases deleted (GTC; older notation c.6235_6237delGTC).
Protein change: p.Val2079del; deletes valine 2079.
Molecular consequence: inframe deletion. On other transcripts: intron variant (2).
Genome position (GRCh38, 1-based): chr11:108,317,409-108,317,411, GTC deleted; deleting any 3 consecutive bases within chr11:108,317,408-108,317,411 gives the same sequence; the c. name uses the placement nearest the transcript's 3' end. VCF-style (leftmost placement, unchanged base first): chr11-108317407-CCGT-C. GRCh37 (hg19) VCF-style: chr11-108188134-CCGT-C.
Other names: c.6235_6237del, p.Val2079del (NM_001351834.2); c.641-8339_641-8337del (NM_001330368.2); c.*39-8339_*39-8337del (NM_001351110.2); short protein forms V2079del.
Identifiers: ClinVar variation 3641348 (VCV003641348.2).

ClinVar aggregate classification (germline): Uncertain significance (1 of 4 stars; one submission).

Conditions:
Ataxia-telangiectasia syndrome (AT). Also called: Ataxia-telangiectasia, complementation group D; AT, COMPLEMENTATION GROUP C; ATAXIA-TELANGIECTASIA, COMPLEMENTATION GROUP A; ATAXIA-TELANGIECTASIA, FRESNO VARIANT; Ataxia-telangiectasia; Ataxia-telangiectasia, complementation group E. Identifiers: Orphanet 100, MedGen C0004135, MONDO:0008840, OMIM 208900.

Submission:

Labcorp Genetics (formerly Invitae), Labcorp
Classification: Uncertain significance for Ataxia-telangiectasia syndrome. Last evaluated: 2024-02-17. Review status: criteria provided, single submitter. Criteria: Invitae Variant Classification Sherloc (09022015). Collection method: clinical testing. Allele origin: germline.
Comment: This variant, c.6235_6237del, results in the deletion of 1 amino acid(s) of the ATM protein (p.Val2079del), but otherwise preserves the integrity of the reading frame. This variant is not present in population databases (gnomAD no frequency). This variant has not been reported in the literature in individuals affected with ATM-related conditions. Experimental studies and prediction algorithms are not available or were not evaluated, and the functional significance of this variant is currently unknown. In summary, the available evidence is currently insufficient to determine the role of this variant in disease. Therefore, it has been classified as a Variant of Uncertain Significance.